The following is an entry in ClinVar:

NM_001289808.2(CRYAB):c.100dup (p.Glu34fs)

Gene: CRYAB (crystallin alpha B; minus strand). Cytogenetic location: 11q23.1.
Variant type: Duplication.
Coding change: c.100dup on transcript NM_001289808.2 (MANE Select); coding-DNA position 100, one base duplicated (G; older notation c.100dupG).
Protein change: p.Glu34fs; shifts the reading frame from glutamic acid 34.
Molecular consequence: frameshift variant.
Genome position (GRCh38, 1-based): chr11:111,911,625, C duplicated on the plus strand (G on the coding strand, the reverse complement: CRYAB is on the minus strand); the first of 2 consecutive C bases (chr11:111,911,625-111,911,626); duplicating either gives the same sequence. VCF-style (leftmost placement, unchanged base first): chr11-111911624-T-TC. GRCh37 (hg19) VCF-style: chr11-111782348-T-TC.
Other names: c.100dup, p.Glu34fs (NM_001289807.1, NM_001368245.1, NM_001885.3); short protein forms E34fs.
Identifiers: ClinVar variation 2630615 (VCV002630615.1), dbSNP rs2497884970, ClinGen allele CA2695199023.
Genomic context (GRCh38, chr11:111,911,624, plus strand): 5'-AAGGAGGGTGGCCGAAGGTAGAAGGGACTCAGGGAAGTAGACGTCGGGAAAAGATCAGAC[T>TC]CCAACAGGTGCTCTCCGAAGAACTGGTCAAAGAGGCGGCTGGGGGAGTGGAAAGGAAAGA-3'

ClinVar aggregate classification (germline): Likely pathogenic (1 of 4 stars; one submission).

Conditions:
CRYAB-related disorder. Also called: CRYAB-related condition.

Submission:

PreventionGenetics, part of Exact Sciences
Classification: Likely pathogenic for CRYAB-related condition. Last evaluated: 2023-02-22. Review status: criteria provided, single submitter. Criteria: ACMG Guidelines, 2015. Collection method: clinical testing. Allele origin: germline.
Comment: The CRYAB c.100dupG variant is predicted to result in a frameshift and premature protein termination (p.Glu34Glyfs*3). To our knowledge, this variant has not been reported in the literature or in a large population database, indicating this variant is rare. Frameshift variants in CRYAB are expected to be pathogenic. This variant is interpreted as likely pathogenic.